The following is an entry in ClinVar:

ClinVar aggregate classification (germline): Conflicting classifications of pathogenicity. Review status: criteria provided, conflicting classifications (1 of 4 stars). 5 submissions from 5 submitters: Uncertain significance (2); Likely benign (2). 1 of the submissions does not count toward it. Last evaluated 2026-08-01.

Conditions:
Hearing loss, autosomal recessive 111. Also called: DEAFNESS, AUTOSOMAL RECESSIVE 111. Identifiers: MedGen C4748374, MONDO:0029142, OMIM 618145.
MPZL2-related disorder. Also called: MPZL2-related condition.

Allele frequency attached by ClinVar (database versions not stated): 1000 Genomes Project 0.00120; 1000 Genomes Project 30x 0.00125; ExAC 0.00210; TOPMed 0.00300; gnomAD 0.00309; ESP Exome Variant Server 0.00439; gnomAD exomes 0.00595.
gnomAD v4.1: 9,288 of 1,614,110 alleles (0.58%); highest among the groups gnomAD compares: Non-Finnish European, 0.73%; 49 homozygotes.

Submissions (7):

CeGaT Center for Human Genetics Tuebingen
Classification: Likely benign. Last evaluated: 2026-08-01. Review status: criteria provided, single submitter. Criteria: CeGaT Center For Human Genetics Tuebingen Variant Classification Criteria Version 2. Collection method: clinical testing. Allele origin: germline. Affected: yes. Observed: 7 variant alleles.
Comment: MPZL2: BP4, BS2

Blueprint Genetics
Classification: Likely benign. Last evaluated: 2024-11-08. Review status: criteria provided, single submitter. Criteria: ACMG Guidelines, 2015. Collection method: clinical testing. Allele origin: germline.

Fulgent Genetics
Classification: Uncertain significance for Hearing loss, autosomal recessive 111. Last evaluated: 2024-01-07. Review status: criteria provided, single submitter. Criteria: ACMG Guidelines, 2015. Collection method: clinical testing. Allele origin: germline.

Mayo Clinic Laboratories, Mayo Clinic
Classification: Uncertain significance. Last evaluated: 2023-03-16. Review status: criteria provided, single submitter. Criteria: ACMG Guidelines, 2015. Collection method: clinical testing. Allele origin: germline. Observed: 1 variant allele.
Comment: BS1, PM3

PreventionGenetics, part of Exact Sciences
Classification: Likely benign for MPZL2-related condition. Last evaluated: 2022-12-12. Review status: no assertion criteria provided. Collection method: clinical testing. Allele origin: germline. Not counted in ClinVar's aggregate classification.
Comment: This variant is classified as likely benign based on ACMG/AMP sequence variant interpretation guidelines (Richards et al. 2015 PMID: 25741868, with internal and published modifications).

Dr. Peter K. Rogan Lab, Western University
No classification provided (evidence only). Condition: Clear cell carcinoma of kidney. Review status: no classification provided. Collection method: in vitro. Allele origin: not applicable. Functional consequence: retained intron. Not counted in ClinVar's aggregate classification.

Dr. Peter K. Rogan Lab, Western University
No classification provided (evidence only). Condition: Colon adenocarcinoma. Review status: no classification provided. Collection method: in vitro. Allele origin: not applicable. Functional consequence: retained intron. Not counted in ClinVar's aggregate classification.

Literature cited by the submitters: PubMed 35599849 (cited by Mayo Clinic Laboratories, Mayo Clinic).

NM_005797.4(MPZL2):c.278A>T (p.Asp93Val)

Gene: MPZL2 (myelin protein zero like 2; minus strand). Cytogenetic location: 11q23.3.
Variant type: single nucleotide variant.
Coding change: c.278A>T on transcript NM_005797.4 (MANE Select); coding-DNA position 278, A replaced by T.
Protein change: p.Asp93Val; replaces aspartic acid 93 with valine.
Molecular consequence: missense variant.
Genome position (GRCh38, 1-based): chr11:118,262,596, T>A on the plus strand (A>T on the coding strand, the complement: MPZL2 is on the minus strand). VCF-style: chr11-118262596-T-A. GRCh37 (hg19) VCF-style: chr11-118133311-T-A.
Other names: p.Asp93Val; NC_000011.9:g.118133311T>A; c.278A>T (NM_005797.3); c.278A>T, p.Asp93Val (NM_144765.3); short protein forms D93V.
Identifiers: ClinVar variation 2578670 (VCV002578670.30), dbSNP rs74543584, ClinGen allele CA6301410.